The following is an entry in ClinVar:

NM_001365536.1(SCN9A):c.1444A>C (p.Lys482Gln)

Genes: SCN1A-AS1 (SCN1A and SCN9A antisense RNA 1; plus strand), SCN9A (sodium voltage-gated channel alpha subunit 9; minus strand). Cytogenetic location: 2q24.3.
Variant type: single nucleotide variant.
Coding change: c.1444A>C on transcript NM_001365536.1 (MANE Select); coding-DNA position 1444, A replaced by C.
Protein change: p.Lys482Gln; replaces lysine 482 with glutamine.
Molecular consequence: missense variant.
Genome position (GRCh38, 1-based): chr2:166,286,494, T>G on the plus strand (A>C on the coding strand, the complement: SCN9A is on the minus strand). VCF-style: chr2-166286494-T-G. GRCh37 (hg19) VCF-style: chr2-167143004-T-G.
Other names: c.1444A>C, p.Lys482Gln (NM_002977.4); short protein forms K482Q.
Identifiers: ClinVar variation 2942884 (VCV002942884.4), dbSNP rs768272907, ClinGen allele CA1944509.

ClinVar aggregate classification (germline): Uncertain significance. Review status: criteria provided, multiple submitters, no conflicts (2 of 4 stars). 2 submissions from 2 submitters: Uncertain significance (2). Last evaluated 2025-10-15.

Conditions:
Neuropathy, hereditary sensory and autonomic, type 2A (HSAN2A). Also called: ACROOSTEOLYSIS, GIACCAI TYPE; ACROOSTEOLYSIS, NEUROGENIC; MORVAN DISEASE; NEUROPATHY, CONGENITAL SENSORY; NEUROPATHY, HEREDITARY SENSORY RADICULAR, AUTOSOMAL RECESSIVE; NEUROPATHY, HEREDITARY SENSORY, TYPE IIA. Identifiers: Orphanet 970, MedGen C2752089, MONDO:0024309, OMIM 201300.
Generalized epilepsy with febrile seizures plus, type 7 (GEFSP7). Also called: GEFS+, TYPE 7. Identifiers: Orphanet 36387, MedGen C2751778, MONDO:0013470, OMIM 613863.
Inborn genetic diseases. Identifiers: MedGen C0950123, MeSH D030342.

Allele frequency attached by ClinVar (database versions not stated): TOPMed below 0.00001; ExAC 0.00001; gnomAD exomes 0.00001; gnomAD 0.00002; 1000 Genomes Project 30x 0.00016.
gnomAD v4.1: 14 of 1,613,820 alleles (0.00087%); highest among the groups gnomAD compares: East Asian, 0.029%; no homozygotes.

Submissions (2):

Ambry Genetics
Classification: Uncertain significance for Inborn genetic diseases. Last evaluated: 2025-10-15. Review status: criteria provided, single submitter. Criteria: Ambry Variant Classification Scheme 2023. Collection method: clinical testing. Allele origin: germline.

Labcorp Genetics (formerly Invitae), Labcorp
Classification: Uncertain significance for Neuropathy, hereditary sensory and autonomic, type 2A; Generalized epilepsy with febrile seizures plus, type 7. Last evaluated: 2023-10-17. Review status: criteria provided, single submitter. Criteria: Invitae Variant Classification Sherloc (09022015). Collection method: clinical testing. Allele origin: germline.
Comment: This sequence change replaces lysine, which is basic and polar, with glutamine, which is neutral and polar, at codon 482 of the SCN9A protein (p.Lys482Gln). This variant is present in population databases (rs768272907, gnomAD 0.02%). This variant has not been reported in the literature in individuals affected with SCN9A-related conditions. Advanced modeling of protein sequence and biophysical properties (such as structural, functional, and spatial information, amino acid conservation, physicochemical variation, residue mobility, and thermodynamic stability) performed at Invitae indicates that this missense variant is not expected to disrupt SCN9A protein function. In summary, the available evidence is currently insufficient to determine the role of this variant in disease. Therefore, it has been classified as a Variant of Uncertain Significance.